The following is an entry in ClinVar:

NM_001009944.3(PKD1):c.7344C>G (p.Leu2448=)

Gene: PKD1 (polycystin 1, transient receptor potential channel interacting; minus strand). Cytogenetic location: 16p13.3.
Variant type: single nucleotide variant.
Coding change: c.7344C>G on transcript NM_001009944.3 (MANE Select); coding-DNA position 7344, C replaced by G.
Protein change: p.Leu2448=; no amino-acid change (leucine 2448 retained).
Molecular consequence: synonymous variant.
Genome position (GRCh38, 1-based): chr16:2,106,543, G>C on the plus strand (C>G on the coding strand, the complement: PKD1 is on the minus strand). VCF-style: chr16-2106543-G-C. GRCh37 (hg19) VCF-style: chr16-2156544-G-C.
Other names: c.7344C>G, p.Leu2448= (NM_000296.4); c.7344C>G (NM_000296.3).
Identifiers: ClinVar variation 3031973 (VCV003031973.3), dbSNP rs2258975, ClinGen allele CA7831170.
Genomic context (GRCh38, chr16:2,106,543, plus strand): 5'-GTTGGGGGACAGGCGGATGGAGGCGCAGCCCTCCTCCTCGCCAGAGCGGCCCAGCACCGT[G>C]AGCGTGAAGGTGTATCCCTCGCCGTCCCGCAGCACGCCCCGCCGCAGCACCAGTCGCATG-3'
Protein context (NP_001009944.3, residues 2438-2458): LRDGEGYTFT[Leu2448=]TVLGRSGEEE

ClinVar aggregate classification (germline): Likely benign. Review status: criteria provided, single submitter (1 of 4 stars). 2 submissions from 2 submitters: Likely benign (1). 1 of the submissions does not count toward it. Last evaluated 2023-11-07.

Conditions:
PKD1-related disorder. Also called: PKD1-related condition.

Allele frequency attached by ClinVar (database versions not stated): TOPMed 0.00002; ExAC 0.00003; gnomAD exomes 0.00003; gnomAD 0.00008.
gnomAD v4.1: 84 of 1,596,652 alleles (0.0053%); highest among the groups gnomAD compares: African/African-American, 0.035%; 4 homozygotes.

Submissions (2):

Athena Diagnostics
Classification: Likely benign. Last evaluated: 2023-11-07. Review status: criteria provided, single submitter. Criteria: Athena Diagnostics Criteria. Collection method: clinical testing. Allele origin: unknown.

PreventionGenetics, part of Exact Sciences
Classification: Likely benign for PKD1-related condition. Last evaluated: 2021-03-10. Review status: no assertion criteria provided. Collection method: clinical testing. Allele origin: germline. Not counted in ClinVar's aggregate classification.
Comment: This variant is classified as likely benign based on ACMG/AMP sequence variant interpretation guidelines (Richards et al. 2015 PMID: 25741868, with internal and published modifications).